The following is an entry in ClinVar:

NM_201525.4(ADGRG1):c.1775G>T (p.Arg592Leu)

Gene: ADGRG1 (adhesion G protein-coupled receptor G1; plus strand). Cytogenetic location: 16q21.
Variant type: single nucleotide variant.
Coding change: c.1775G>T on transcript NM_201525.4 (MANE Select); coding-DNA position 1775, G replaced by T.
Protein change: p.Arg592Leu; replaces arginine 592 with leucine.
Molecular consequence: missense variant.
Genome position (GRCh38, 1-based): chr16:57,661,807, G>T. VCF-style: chr16-57661807-G-T. GRCh37 (hg19) VCF-style: chr16-57695719-G-T.
Other names: c.1775G>T, p.Arg592Leu (NM_001145770.3, NM_001145772.3, NM_001145774.3 and 7 more transcripts); c.1793G>T, p.Arg598Leu (NM_001145771.3, NM_001370428.1, NM_001370429.1 and 4 more transcripts); c.1790G>T, p.Arg597Leu (NM_001145773.3, NM_001370433.1, NM_001370434.1); c.1283G>T, p.Arg428Leu (NM_001290142.2); c.1268G>T, p.Arg423Leu (NM_001290143.2); c.1250G>T, p.Arg417Leu (NM_001290144.2, NM_001370451.1, NM_001370453.1 and 1 more transcripts); c.1772G>T, p.Arg591Leu (NM_001370441.1); c.1619G>T, p.Arg540Leu (NM_001370442.1); short protein forms R417L, R423L, R428L, R540L, R591L, R592L, R597L, R598L.
Identifiers: ClinVar variation 1307361 (VCV001307361.3), dbSNP rs140298537, ClinGen allele CA8078855.
Genomic context (GRCh38, chr16:57,661,807, plus strand): 5'-TCAGCCTGGTGTTTCTGTTCAACATGGCCATGCTAGCCACCATGGTGGTGCAGATCCTGC[G>T]GCTGCGCCCCCACACCCAAAAGTGGTCACATGTGCTGACACTGCTGGGCCTCAGCCTGGT-3'
Protein context (NP_958933.1, residues 582-602): MLATMVVQIL[Arg592Leu]LRPHTQKWSH

ClinVar aggregate classification (germline): Uncertain significance (1 of 4 stars; one submission).

gnomAD v4.1: 31 of 1,614,098 alleles (0.0019%); highest among the groups gnomAD compares: South Asian, 0.033%; no homozygotes.

Submission:

GeneDx
Classification: Uncertain significance. Last evaluated: 2024-10-30. Review status: criteria provided, single submitter. Criteria: GeneDx Variant Classification Process June 2021. Collection method: clinical testing. Allele origin: germline. Affected: yes.
Comment: In silico analysis, which includes protein predictors and evolutionary conservation, supports a deleterious effect; Has not been previously published as pathogenic or benign to our knowledge